The following is an entry in ClinVar:

NM_020928.2(ZSWIM6):c.57CGG[5] (p.Gly26del)

Gene: ZSWIM6 (zinc finger SWIM-type containing 6; plus strand). Cytogenetic location: 5q12.1.
Variant type: Microsatellite.
Coding change: c.57CGG[5] on transcript NM_020928.2 (MANE Select); five copies in a row of the 3-base unit CGG starting at c.57; the reference has six copies in a row; one copy, 3 bases deleted.
Protein change: p.Gly26del; deletes glycine 26.
Molecular consequence: inframe deletion.
Genome position (GRCh38, 1-based): chr5:61,332,344-61,332,346, CGG deleted; deleting any 3 consecutive bases within chr5:61,332,327-61,332,346 gives the same sequence; the position shown is the placement nearest the transcript's 3' end. VCF-style (leftmost placement, unchanged base first): chr5-61332326-GGGC-G. GRCh37 (hg19) VCF-style: chr5-60628153-GGGC-G.
Other names: c.72_74delCGG (NM_020928.1); short protein forms G26del.
Identifiers: ClinVar variation 1636008 (VCV001636008.12), dbSNP rs565100893, ClinGen allele CA444539061.

ClinVar aggregate classification (germline): Benign/Likely benign. Review status: criteria provided, multiple submitters, no conflicts (2 of 4 stars). 4 submissions from 4 submitters: Benign (1); Likely benign (2). 1 of the submissions does not count toward it. Last evaluated 2025-02-03.

Conditions:
ZSWIM6-related disorder. Also called: ZSWIM6-related condition.

Submissions (4):

Labcorp Genetics (formerly Invitae), Labcorp
Classification: Likely benign. Last evaluated: 2025-02-03. Review status: criteria provided, single submitter. Criteria: Invitae Variant Classification Sherloc (09022015). Collection method: clinical testing. Allele origin: germline.

Blueprint Genetics
Classification: Likely benign. Last evaluated: 2024-11-26. Review status: criteria provided, single submitter. Criteria: ACMG Guidelines, 2015. Collection method: clinical testing. Allele origin: germline.

Mendelics
Classification: Benign. Last evaluated: 2022-05-04. Review status: criteria provided, single submitter. Criteria: Mendelics Assertion Criteria 2019. Collection method: clinical testing. Allele origin: germline.

PreventionGenetics, part of Exact Sciences
Classification: Likely benign for ZSWIM6-related condition. Last evaluated: 2022-12-22. Review status: no assertion criteria provided. Collection method: clinical testing. Allele origin: germline. Not counted in ClinVar's aggregate classification.
Comment: This variant is classified as likely benign based on ACMG/AMP sequence variant interpretation guidelines (Richards et al. 2015 PMID: 25741868, with internal and published modifications).